The following is an entry in ClinVar:

ClinVar aggregate classification (germline): Conflicting classifications of pathogenicity. Review status: criteria provided, conflicting classifications (1 of 4 stars). 6 submissions from 6 submitters: Uncertain significance (3); Likely benign (3). Last evaluated 2025-06-04.

Conditions:
Hereditary cancer-predisposing syndrome. Also called: Hereditary neoplastic syndrome; Hereditary Cancer Syndrome; Neoplastic Syndromes, Hereditary; Tumor predisposition. Identifiers: Orphanet 140162, MedGen C0027672, MeSH D009386, MONDO:0015356.
Neurofibromatosis, type 2 (SWNV). Also called: SCHWANNOMATOSIS, VESTIBULAR; BILATERAL ACOUSTIC NEUROFIBROMATOSIS; NF2-Related Schwannomatosis. Identifiers: Orphanet 637, MedGen C0027832, MONDO:0007039, OMIM 101000. Disease mechanism: loss of function.

Allele frequency attached by ClinVar (database versions not stated): TOPMed 0.00003; gnomAD 0.00010.
gnomAD v4.1: 18 of 1,561,360 alleles (0.0012%); highest among the groups gnomAD compares: African/African-American, 0.019%; 1 homozygote.

Submissions (6):

Labcorp Genetics (formerly Invitae), Labcorp
Classification: Likely benign for Neurofibromatosis, type 2. Last evaluated: 2025-06-04. Review status: criteria provided, single submitter. Criteria: Invitae Variant Classification Sherloc (09022015). Collection method: clinical testing. Allele origin: germline.

Revvity Omics, Revvity
Classification: Uncertain significance for Neurofibromatosis, type 2. Last evaluated: 2025-05-19. Review status: criteria provided, single submitter. Criteria: ACMG Guidelines, 2015. Collection method: clinical testing. Allele origin: germline.

Ambry Genetics
Classification: Uncertain significance for Hereditary cancer-predisposing syndrome. Last evaluated: 2024-11-19. Review status: criteria provided, single submitter. Criteria: Ambry Variant Classification Scheme 2023. Collection method: clinical testing. Allele origin: germline.
Comment: The p.P482R variant (also known as c.1445C>G), located in coding exon 13 of the NF2 gene, results from a C to G substitution at nucleotide position 1445. The proline at codon 482 is replaced by arginine, an amino acid with dissimilar properties. This amino acid position is not well conserved in available vertebrate species. In addition, this alteration is predicted to be tolerated by in silico analysis. Based on the available evidence, the clinical significance of this variant remains unclear.

All of Us Research Program, National Institutes of Health
Classification: Likely benign for Neurofibromatosis, type 2. Last evaluated: 2023-08-14. Review status: criteria provided, single submitter. Criteria: ACMG Guidelines, 2015. Collection method: clinical testing. Allele origin: germline. Inheritance: Autosomal dominant inheritance. Observed: 2 variant alleles, 2 heterozygotes.
Comment: This study involves interpretation of variants in research participants for the purpose of population health screening. Participant phenotype was not available at the time of variant classification. Additional details can be found in publication PMID: 35346344, PMCID: PMC8962531

Color Diagnostics, LLC DBA Color Health
Classification: Likely benign for Neurofibromatosis, type 2. Last evaluated: 2022-03-04. Review status: criteria provided, single submitter. Criteria: ACMG Guidelines, 2015. Collection method: clinical testing. Allele origin: germline.

Genome-Nilou Lab
Classification: Uncertain significance for Neurofibromatosis, type 2. Last evaluated: 2021-11-07. Review status: criteria provided, single submitter. Criteria: ACMG Guidelines, 2015. Collection method: clinical testing. Allele origin: germline. Affected: no.

NM_000268.4(NF2):c.1445C>G (p.Pro482Arg)

Gene: NF2 (NF2, moesin-ezrin-radixin like (MERLIN) tumor suppressor; plus strand). Cytogenetic location: 22q12.2.
Variant type: single nucleotide variant.
Coding change: c.1445C>G on transcript NM_000268.4 (MANE Select); coding-DNA position 1445, C replaced by G.
Protein change: p.Pro482Arg; replaces proline 482 with arginine.
Molecular consequence: missense variant. On other transcripts: non-coding transcript variant (1), intron variant (1).
Genome position (GRCh38, 1-based): chr22:29,674,940, C>G. VCF-style: chr22-29674940-C-G. GRCh37 (hg19) VCF-style: chr22-30070929-C-G.
Other names: c.1445C>G, p.Pro482Arg (NM_016418.5, NM_181825.3, NM_181832.3); c.1319C>G, p.Pro440Arg (NM_181828.3); c.1322C>G, p.Pro441Arg (NM_181829.3); c.1196C>G, p.Pro399Arg (NM_181830.3, NM_181831.3); c.448-19812C>G (NM_181833.3); short protein forms P482R, P440R, P441R, P399R.
Identifiers: ClinVar variation 485992 (VCV000485992.18), dbSNP rs766339217, ClinGen allele CA323117433.